The following is an entry in ClinVar:

ClinVar aggregate classification (germline): Uncertain significance. Review status: criteria provided, multiple submitters, no conflicts (2 of 4 stars). 3 submissions from 3 submitters: Uncertain significance (3). Last evaluated 2025-02-26.

Conditions:
Inborn genetic diseases. Identifiers: MedGen C0950123, MeSH D030342.
COACH syndrome 2. Identifiers: MedGen C5436837, MONDO:0030859, OMIM 619111.
Meckel syndrome, type 6. Identifiers: Orphanet 564, MedGen C2676790, MONDO:0012848, OMIM 612284.
Retinitis pigmentosa 93. Identifiers: MedGen C5676970, MONDO:0030797, OMIM 619845.
Joubert syndrome 9 (JBTS9). Identifiers: Orphanet 2318, MedGen C2676788, MONDO:0012849, OMIM 612285.
Joubert syndrome. Also called: JOUBERT-BOLTSHAUSER SYNDROME; Familial aplasia of the vermis. Identifiers: Orphanet 475, MedGen C5979921, MONDO:0018772.
Meckel-Gruber syndrome. Also called: DYSENCEPHALIA SPLANCHNOCYSTICA; GRUBER SYNDROME; Dysencephalia splachnocystica. Identifiers: Orphanet 564, MedGen C0265215, MONDO:0018921.

gnomAD v4.1: 16 of 1,613,552 alleles (0.00099%); highest among the groups gnomAD compares: Non-Finnish European, 0.0013%; no homozygotes.

Submissions (3):

Labcorp Genetics (formerly Invitae), Labcorp
Classification: Uncertain significance for Joubert syndrome; Meckel-Gruber syndrome. Last evaluated: 2025-02-26. Review status: criteria provided, single submitter. Criteria: Invitae Variant Classification Sherloc (09022015). Collection method: clinical testing. Allele origin: germline.
Comment: This sequence change replaces leucine, which is neutral and non-polar, with serine, which is neutral and polar, at codon 1534 of the CC2D2A protein (p.Leu1534Ser). This variant is not present in population databases (gnomAD no frequency). This variant has not been reported in the literature in individuals affected with CC2D2A-related conditions. ClinVar contains an entry for this variant (Variation ID: 1438654). Invitae Evidence Modeling of protein sequence and biophysical properties (such as structural, functional, and spatial information, amino acid conservation, physicochemical variation, residue mobility, and thermodynamic stability) indicates that this missense variant is expected to disrupt CC2D2A protein function with a positive predictive value of 95%. In summary, the available evidence is currently insufficient to determine the role of this variant in disease. Therefore, it has been classified as a Variant of Uncertain Significance.

Fulgent Genetics
Classification: Uncertain significance for Meckel syndrome, type 6; Joubert syndrome 9; COACH syndrome 2; Retinitis pigmentosa 93. Last evaluated: 2024-06-14. Review status: criteria provided, single submitter. Criteria: ACMG Guidelines, 2015. Collection method: clinical testing. Allele origin: germline.

Ambry Genetics
Classification: Uncertain significance for Inborn genetic diseases. Last evaluated: 2023-01-11. Review status: criteria provided, single submitter. Criteria: Ambry Variant Classification Scheme 2023. Collection method: clinical testing. Allele origin: germline.

NM_001378615.1(CC2D2A):c.4601T>C (p.Leu1534Ser)

Genes: CC2D2A (coiled-coil and C2 domain containing 2A; plus strand), FBXL5 (F-box and leucine rich repeat protein 5; minus strand). Cytogenetic location: 4p15.32.
Variant type: single nucleotide variant.
Coding change: c.4601T>C on transcript NM_001378615.1 (MANE Select); coding-DNA position 4601, T replaced by C.
Protein change: p.Leu1534Ser; replaces leucine 1534 with serine.
Molecular consequence: missense variant.
Genome position (GRCh38, 1-based): chr4:15,599,633, T>C. VCF-style: chr4-15599633-T-C. GRCh37 (hg19) VCF-style: chr4-15601256-T-C.
Other names: c.4601T>C, p.Leu1534Ser (NM_001080522.2); c.4454T>C, p.Leu1485Ser (NM_001378617.1); short protein forms L1534S, L1485S.
Identifiers: ClinVar variation 1438654 (VCV001438654.7), dbSNP rs2148495981, ClinGen allele CA356434329.